The following is an entry in ClinVar:

NM_001377.3(DYNC2H1):c.1857+1G>T

Gene: DYNC2H1 (dynein cytoplasmic 2 heavy chain 1; plus strand). Cytogenetic location: 11q22.3.
Variant type: single nucleotide variant.
Coding change: c.1857+1G>T on transcript NM_001377.3 (MANE Select); the canonical splice donor site of the intron after coding-DNA position 1857, G replaced by T.
Molecular consequence: splice donor variant.
Genome position (GRCh38, 1-based): chr11:103,125,296, G>T. VCF-style: chr11-103125296-G-T. GRCh37 (hg19) VCF-style: chr11-102996025-G-T.
Other names: c.1857+1G>T (NM_001080463.2).
Identifiers: ClinVar variation 3598861 (VCV003598861.2).

ClinVar aggregate classification (germline): Likely pathogenic. Review status: criteria provided, multiple submitters, no conflicts (2 of 4 stars). 2 submissions from 2 submitters: Likely pathogenic (2). Last evaluated 2026-06-05.

Conditions:
Asphyxiating thoracic dystrophy 3. Also called: SHORT-RIB THORACIC DYSPLASIA 3 WITH OR WITHOUT POLYDACTYLY; POLYDACTYLY WITH NEONATAL CHONDRODYSTROPHY, TYPE I; SHORT-RIB THORACIC DYSPLASIA 3/6 WITH POLYDACTYLY, DIGENIC; Short rib polydactyly syndrome 2B; Saldino-Noonan Syndrome. Identifiers: Orphanet 474, Orphanet 93269, Orphanet 93270, Orphanet 93271, MedGen C0036069, MONDO:0013127, OMIM 613091.

Submissions (2):

Myriad Genetics, Inc.
Classification: Likely pathogenic for Asphyxiating thoracic dystrophy 3. Last evaluated: 2026-06-05. Review status: criteria provided, single submitter. Criteria: Myriad Autosomal Dominant, Autosomal Recessive and X-Linked Classification Criteria (2023). Collection method: clinical testing. Allele origin: unknown.
Comment: NM_001377.2(DYNC2H1):c.1857+1G>T is a variant in a canonical splice site classified as likely pathogenic in the context of DYNC2H1-related disorders. c.1857+1G>T has not been observed in cases with relevant disease. Relevant functional assessments of this variant are not available in the literature. c.1857+1G>T has not been observed in referenced population frequency databases. In summary, NM_001377.2(DYNC2H1):c.1857+1G>T is a variant in a canonical splice site in a gene where loss of function is a known mechanism of disease and is predicted to disrupt protein function. Please note: this variant was assessed in the context of healthy population screening.

Fulgent Genetics
Classification: Likely pathogenic for Asphyxiating thoracic dystrophy 3. Last evaluated: 2024-04-16. Review status: criteria provided, single submitter. Criteria: ACMG Guidelines, 2015. Collection method: clinical testing. Allele origin: germline.